The following is an entry in ClinVar:

NM_201384.3(PLEC):c.10824C>G (p.Phe3608Leu)

Gene: PLEC (plectin; minus strand). Cytogenetic location: 8q24.3.
Variant type: single nucleotide variant.
Coding change: c.10824C>G on transcript NM_201384.3 (MANE Select); coding-DNA position 10824, C replaced by G.
Protein change: p.Phe3608Leu; replaces phenylalanine 3608 with leucine.
Molecular consequence: missense variant.
Genome position (GRCh38, 1-based): chr8:143,918,997, G>C on the plus strand (C>G on the coding strand, the complement: PLEC is on the minus strand). VCF-style: chr8-143918997-G-C. GRCh37 (hg19) VCF-style: chr8-144993165-G-C.
Other names: c.10905C>G, p.Phe3635Leu (NM_000445.5); c.7524C>G, p.Phe2508Leu (NM_001410941.1); c.10782C>G, p.Phe3594Leu (NM_201378.4); c.10758C>G, p.Phe3586Leu (NM_201379.3); c.11235C>G, p.Phe3745Leu (NM_201380.4); c.10728C>G, p.Phe3576Leu (NM_201381.3); c.10824C>G, p.Phe3608Leu (NM_201382.4); c.10836C>G, p.Phe3612Leu (NM_201383.3); short protein forms F2508L, F3576L, F3586L, F3594L, F3608L, F3612L, F3635L, F3745L.
Identifiers: ClinVar variation 2412963 (VCV002412963.3), dbSNP rs1821564823, ClinGen allele CA372496364.

ClinVar aggregate classification (germline): Uncertain significance (1 of 4 stars; one submission).

Submission:

GeneDx
Classification: Uncertain significance. Last evaluated: 2022-07-25. Review status: criteria provided, single submitter. Criteria: GeneDx Variant Classification Process June 2021. Collection method: clinical testing. Allele origin: germline. Affected: yes.
Comment: Not observed at significant frequency in large population cohorts (gnomAD); In silico analysis supports that this missense variant does not alter protein structure/function; Has not been previously published as pathogenic or benign to our knowledge